The following is an entry in ClinVar:

NM_005262.3(GFER):c.409T>C (p.Ser137Pro)

Gene: GFER (growth factor, augmenter of liver regeneration; plus strand). Cytogenetic location: 16p13.3.
Variant type: single nucleotide variant.
Coding change: c.409T>C on transcript NM_005262.3 (MANE Select); coding-DNA position 409, T replaced by C.
Protein change: p.Ser137Pro; replaces serine 137 with proline.
Molecular consequence: missense variant.
Genome position (GRCh38, 1-based): chr16:1,984,897, T>C. VCF-style: chr16-1984897-T-C. GRCh37 (hg19) VCF-style: chr16-2034898-T-C.
Other names: short protein forms S137P.
Identifiers: ClinVar variation 1305969 (VCV001305969.4), dbSNP rs2150895343, ClinGen allele CA394303222.

ClinVar aggregate classification (germline): Uncertain significance. Review status: criteria provided, multiple submitters, no conflicts (2 of 4 stars). 2 submissions from 2 submitters: Uncertain significance (2). Last evaluated 2023-06-05.

Conditions:
Inborn genetic diseases. Identifiers: MedGen C0950123, MeSH D030342.

Submissions (2):

Ambry Genetics
Classification: Uncertain significance for Inborn genetic diseases. Last evaluated: 2023-06-05. Review status: criteria provided, single submitter. Criteria: Ambry Variant Classification Scheme 2023. Collection method: clinical testing. Allele origin: germline.

GeneDx
Classification: Uncertain significance. Last evaluated: 2019-05-30. Review status: criteria provided, single submitter. Criteria: GeneDx Variant Classification Process June 2021. Collection method: clinical testing. Allele origin: germline. Affected: yes.
Comment: Not observed in large population cohorts (Lek et al., 2016); In silico analysis, which includes protein predictors and evolutionary conservation, supports a deleterious effect; Has not been previously published as pathogenic or benign to our knowledge